The following is an entry in ClinVar:

ClinVar aggregate classification (germline): Uncertain significance (1 of 4 stars; one submission).

Conditions:
Intellectual disability. Also called: Intellectual functioning disability; intellectual disabilities; Intellectual developmental disorder. Identifiers: MedGen C3714756, MeSH D008607, MONDO:0001071, HP:0001249.

gnomAD v4.1: 2 of 1,614,050 alleles (0.00012%); highest among the groups gnomAD compares: Non-Finnish European, 0.000085%; no homozygotes.

Submission:

Labcorp Genetics (formerly Invitae), Labcorp
Classification: Uncertain significance for Intellectual disability. Last evaluated: 2026-01-19. Review status: criteria provided, single submitter. Criteria: Invitae Variant Classification Sherloc (09022015). Collection method: clinical testing. Allele origin: germline.
Comment: This sequence change replaces arginine, which is basic and polar, with glutamine, which is neutral and polar, at codon 489 of the GABRB2 protein (p.Arg489Gln). This variant is not present in population databases (gnomAD no frequency). This variant has not been reported in the literature in individuals affected with GABRB2-related conditions. Invitae Evidence Modeling of protein sequence and biophysical properties (such as structural, functional, and spatial information, amino acid conservation, physicochemical variation, residue mobility, and thermodynamic stability) indicates that this missense variant is not expected to disrupt GABRB2 protein function with a negative predictive value of 95%. In summary, the available evidence is currently insufficient to determine the role of this variant in disease. Therefore, it has been classified as a Variant of Uncertain Significance.

NM_001371727.1(GABRB2):c.1466G>A (p.Arg489Gln)

Gene: GABRB2 (gamma-aminobutyric acid type A receptor subunit beta2; minus strand). Cytogenetic location: 5q34.
Variant type: single nucleotide variant.
Coding change: c.1466G>A on transcript NM_001371727.1 (MANE Select); coding-DNA position 1466, G replaced by A.
Protein change: p.Arg489Gln; replaces arginine 489 with glutamine.
Molecular consequence: missense variant.
Genome position (GRCh38, 1-based): chr5:161,294,154, C>T on the plus strand (G>A on the coding strand, the complement: GABRB2 is on the minus strand). VCF-style: chr5-161294154-C-T. GRCh37 (hg19) VCF-style: chr5-160721161-C-T.
Other names: c.1352G>A, p.Arg451Gln (NM_000813.3); c.1466G>A, p.Arg489Gln (NM_021911.3); short protein forms R451Q, R489Q.
Identifiers: ClinVar variation 4770703 (VCV004770703.1).
Genomic context (GRCh38, chr5:161,294,154, plus strand): 5'-TAAAGCCAATAGACGATGTTGAAGAAGGAAAAAACCACTGGGAAGAATATGCGGGACCAC[C>T]GATCTATGGCATTCACATCAGTCAAGTCAGGGATGGTGATTTTCAGTTGGGAGGCGCGTC-3'
Protein context (NP_001358656.1, residues 479-499): PDLTDVNAID[Arg489Gln]WSRIFFPVVF